The following is an entry in ClinVar:

NM_052844.4(DYNC2I2):c.65C>T (p.Ala22Val)

Gene: DYNC2I2 (dynein 2 intermediate chain 2; minus strand). Cytogenetic location: 9q34.11.
Variant type: single nucleotide variant.
Coding change: c.65C>T on transcript NM_052844.4 (MANE Select); coding-DNA position 65, C replaced by T.
Protein change: p.Ala22Val; replaces alanine 22 with valine.
Molecular consequence: missense variant.
Genome position (GRCh38, 1-based): chr9:128,656,662, G>A on the plus strand (C>T on the coding strand, the complement: DYNC2I2 is on the minus strand). VCF-style: chr9-128656662-G-A. GRCh37 (hg19) VCF-style: chr9-131418941-G-A.
Other names: short protein forms A22V.
Identifiers: ClinVar variation 931223 (VCV000931223.39), dbSNP rs201715229, ClinGen allele CA5266755.

ClinVar aggregate classification (germline): Benign/Likely benign. Review status: criteria provided, multiple submitters, no conflicts (2 of 4 stars). 6 submissions from 6 submitters: Benign (4); Likely benign (1). 1 of the submissions does not count toward it. Last evaluated 2026-09-01.

Conditions:
DYNC2I2-related disorder. Also called: DYNC2I2-related condition.
Short-rib thoracic dysplasia 11 with or without polydactyly (SRTD11). Also called: SHORT-RIB THORACIC DYSPLASIA 11 WITHOUT POLYDACTYLY. Identifiers: Orphanet 474, Orphanet 93271, MedGen C3810200, MONDO:0014287, OMIM 615633.

Allele frequency attached by ClinVar (database versions not stated): 1000 Genomes Project 0.00140; 1000 Genomes Project 30x 0.00172; gnomAD 0.00258 and 0.00260; TOPMed 0.00297; gnomAD exomes 0.00314 and 0.00465; ESP Exome Variant Server 0.00390; ExAC 0.01470.
gnomAD v4.1: 4,754 of 1,509,876 alleles (0.31%); highest among the groups gnomAD compares: Middle Eastern, 1.3%; 19 homozygotes.

Submissions (7):

CeGaT Center for Human Genetics Tuebingen
Classification: Likely benign. Last evaluated: 2026-09-01. Review status: criteria provided, single submitter. Criteria: CeGaT Center For Human Genetics Tuebingen Variant Classification Criteria Version 2. Collection method: clinical testing. Allele origin: germline. Affected: yes. Observed: 10 variant alleles.
Comment: DYNC2I2: BS2

Labcorp Genetics (formerly Invitae), Labcorp
Classification: Benign for Short-rib thoracic dysplasia 11 with or without polydactyly. Last evaluated: 2026-01-26. Review status: criteria provided, single submitter. Criteria: Invitae Variant Classification Sherloc (09022015). Collection method: clinical testing. Allele origin: germline.

GeneDx
Classification: Benign. Last evaluated: 2019-09-20. Review status: criteria provided, single submitter. Criteria: GeneDx Variant Classification Process June 2021. Collection method: clinical testing. Allele origin: germline. Affected: yes.
Comment: This variant is associated with the following publications: (PMID: 27894351, 27884173, 24183451)

Centre for Mendelian Genomics, University Medical Centre Ljubljana
Classification: Benign. Last evaluated: 2018-10-29. Review status: criteria provided, single submitter. Criteria: ACMG Guidelines, 2015. Collection method: clinical testing. Allele origin: unknown. Affected: yes.
Comment: This variant was classified as: Benign. The following ACMG criteria were applied in classifying this variant: BS1,BS2.

Breakthrough Genomics
Classification: Benign. Review status: criteria provided, single submitter. Criteria: ACMG Guidelines, 2015. Collection method: not provided. Allele origin: germline. Inheritance: Autosomal recessive inheritance. Affected: yes.

PreventionGenetics, part of Exact Sciences
Classification: Benign for DYNC2I2-related condition. Last evaluated: 2019-03-26. Review status: no assertion criteria provided. Collection method: clinical testing. Allele origin: germline. Not counted in ClinVar's aggregate classification.
Comment: This variant is classified as benign based on ACMG/AMP sequence variant interpretation guidelines (Richards et al. 2015 PMID: 25741868, with internal and published modifications).

Dr. Peter K. Rogan Lab, Western University
No classification provided (evidence only). Condition: Ovarian serous cystadenocarcinoma. Review status: no classification provided. Collection method: in vitro. Allele origin: not applicable. Functional consequence: retained intron. Not counted in ClinVar's aggregate classification.